The following is an entry in ClinVar:

ClinVar aggregate classification (germline): Uncertain significance (1 of 4 stars; one submission).

Conditions:
Mitochondrial DNA depletion syndrome 13. Also called: FBXL4-Related Encephalomyopathic Mitochondrial DNA Depletion Syndrome; Mitochondrial DNA depletion syndrome 13 (encephalomyopathic type). Identifiers: Orphanet 369897, MedGen C3809592, MONDO:0014198, OMIM 615471.

Allele frequency attached by ClinVar (database versions not stated): ExAC 0.00001; gnomAD exomes below 0.00001.

Submission:

Wong Mito Lab, Molecular and Human Genetics, Baylor College of Medicine
Classification: Uncertain significance for Mitochondrial DNA depletion syndrome 13. Last evaluated: 2017-08-10. Review status: criteria provided, single submitter. Criteria: ACMG Guidelines, 2015. Collection method: reference population. Allele origin: germline.
Comment: The NM_012160.4:c.1700T>C (NP_036292.2:p.Leu567Ser) [GRCH38: NC_000006.12:g.98875417A>G] variant in FBXL4 gene is interpretated to be a Uncertain Significance - Insufficient Evidence based on ACMG guidelines (PMID: 25741868). This variant meets one or more of the following evidence codes reported in the ACMG-guideline. PM2:This variant is absent in key population databases. Based on this evidence code ClinGen Pathogenicity Calculator (PMID:28081714) suggested that the variant is Uncertain Significance - Insufficient Evidence.

NM_001278716.2(FBXL4):c.1700T>C (p.Leu567Ser)

Gene: FBXL4 (F-box and leucine rich repeat protein 4; minus strand). Cytogenetic location: 6q16.1.
Variant type: single nucleotide variant.
Coding change: c.1700T>C on transcript NM_001278716.2 (MANE Select); coding-DNA position 1700, T replaced by C.
Protein change: p.Leu567Ser; replaces leucine 567 with serine.
Molecular consequence: missense variant. On other transcripts: non-coding transcript variant (1).
Genome position (GRCh38, 1-based): chr6:98,875,417, A>G on the plus strand (T>C on the coding strand, the complement: FBXL4 is on the minus strand). VCF-style: chr6-98875417-A-G. GRCh37 (hg19) VCF-style: chr6-99323293-A-G.
Other names: c.1700T>C, p.Leu567Ser (NM_012160.5); short protein forms L567S.
Identifiers: ClinVar variation 437790 (VCV000437790.1), dbSNP rs751487933, ClinGen allele CA3933402.